The following is an entry in ClinVar:

NM_001035.3(RYR2):c.12664G>A (p.Glu4222Lys)

Genes: RYR2 (ryanodine receptor 2; plus strand), LOC126806068 (BRD4-independent group 4 enhancer GRCh37_chr1:237947411-237948610; plus strand). Cytogenetic location: 1q43.
Variant type: single nucleotide variant.
Coding change: c.12664G>A on transcript NM_001035.3 (MANE Select); coding-DNA position 12664, G replaced by A.
Protein change: p.Glu4222Lys; replaces glutamic acid 4222 with lysine.
Molecular consequence: missense variant.
Genome position (GRCh38, 1-based): chr1:237,784,376, G>A. VCF-style: chr1-237784376-G-A. GRCh37 (hg19) VCF-style: chr1-237947676-G-A.
Other names: short protein forms E4222K.
Identifiers: ClinVar variation 1332236 (VCV001332236.13), dbSNP rs758453646, ClinGen allele CA085213.

ClinVar aggregate classification (germline): Conflicting classifications of pathogenicity. Review status: criteria provided, conflicting classifications (1 of 4 stars). 4 submissions from 4 submitters: Uncertain significance (3); Likely benign (1). Last evaluated 2025-06-08.

Conditions:
Catecholaminergic polymorphic ventricular tachycardia (CVPT). Also called: Catecholamine-induced polymorphic ventricular tachycardia. Identifiers: Orphanet 3286, MedGen C5574922, MONDO:0017990.
Cardiomyopathy (CMYO). Also called: Cardiomyopathies. Identifiers: Orphanet 167848, MedGen C0878544, MONDO:0004994, HP:0001638. Inheritance: Various modes of inheritance.
Catecholaminergic polymorphic ventricular tachycardia 1. Also called: VENTRICULAR TACHYCARDIA, CATECHOLAMINERGIC POLYMORPHIC, 1, WITH OR WITHOUT ATRIAL DYSFUNCTION AND/OR DILATED CARDIOMYOPATHY; VENTRICULAR TACHYCARDIA, STRESS-INDUCED POLYMORPHIC 1; RYR2-Related Catecholaminergic Polymorphic Ventricular Tachycardia. Identifiers: Orphanet 3286, MedGen C1631597, MONDO:0011484, OMIM 604772.
Arrhythmogenic right ventricular dysplasia 2. Identifiers: MedGen C1832931.
Ventricular arrhythmias due to cardiac ryanodine receptor calcium release deficiency syndrome. Also called: Autosomal dominant cardiac arrhythmia (Kuhn). Identifiers: MedGen C5542154, MONDO:0020745, OMIM 115000.

Allele frequency attached by ClinVar (database versions not stated): ExAC 0.00001; gnomAD exomes 0.00001; TOPMed 0.00002; gnomAD 0.00003 and 0.00004.
gnomAD v4.1: 13 of 1,613,866 alleles (0.00081%); highest among the groups gnomAD compares: African/African-American, 0.008%; no homozygotes.

Submissions (4):

Labcorp Genetics (formerly Invitae), Labcorp
Classification: Likely benign for Catecholaminergic polymorphic ventricular tachycardia 1. Last evaluated: 2025-06-08. Review status: criteria provided, single submitter. Criteria: Invitae Variant Classification Sherloc (09022015). Collection method: clinical testing. Allele origin: germline.

All of Us Research Program, National Institutes of Health
Classification: Uncertain significance for Catecholaminergic polymorphic ventricular tachycardia. Last evaluated: 2024-07-20. Review status: criteria provided, single submitter. Criteria: ACMG Guidelines, 2015. Collection method: clinical testing. Allele origin: germline. Inheritance: Autosomal dominant inheritance. Observed: 4 variant alleles, 4 heterozygotes.
Comment: This missense variant replaces glutamic acid with lysine at codon 4222 of the RYR2 protein. Computational prediction suggests that this variant may not impact protein structure and function (internally defined REVEL score threshold <= 0.5, PMID: 27666373). To our knowledge, functional studies have not been reported for this variant. This variant has not been reported in individuals affected with cardiovascular disorders in the literature. This variant has been identified in 3/279956 chromosomes in the general population by the Genome Aggregation Database (gnomAD). The available evidence is insufficient to determine the role of this variant in disease conclusively. Therefore, this variant is classified as a Variant of Uncertain Significance.

This study involves interpretation of variants in research participants for the purpose of population health screening. Participant phenotype was not available at the time of variant classification. Additional details can be found in publication PMID: 35346344, PMCID: PMC8962531

Color Diagnostics, LLC DBA Color Health
Classification: Uncertain significance for Cardiomyopathy. Last evaluated: 2024-03-06. Review status: criteria provided, single submitter. Criteria: ACMG Guidelines, 2015. Collection method: clinical testing. Allele origin: germline.
Comment: This missense variant replaces glutamic acid with lysine at codon 4222 of the RYR2 protein. Computational prediction suggests that this variant may not impact protein structure and function (internally defined REVEL score threshold <= 0.5, PMID: 27666373). To our knowledge, functional studies have not been reported for this variant. This variant has not been reported in individuals affected with cardiovascular disorders in the literature. This variant has been identified in 3/279956 chromosomes in the general population by the Genome Aggregation Database (gnomAD). The available evidence is insufficient to determine the role of this variant in disease conclusively. Therefore, this variant is classified as a Variant of Uncertain Significance.

Fulgent Genetics
Classification: Uncertain significance for Ventricular arrhythmias due to cardiac ryanodine receptor calcium release deficiency syndrome; Catecholaminergic polymorphic ventricular tachycardia 1. Last evaluated: 2021-10-25. Review status: criteria provided, single submitter. Criteria: ACMG Guidelines, 2015. Collection method: clinical testing. Allele origin: unknown.